The following is an entry in ClinVar:

ClinVar aggregate classification (germline): Pathogenic (1 of 4 stars; one submission).

Conditions:
Argininosuccinate lyase deficiency. Also called: ARGININOSUCCINIC ACID LYASE DEFICIENCY; ASL DEFICIENCY; Argininosuccinic aciduria. Identifiers: Orphanet 23, MedGen C0268547, MONDO:0008815, OMIM 207900, HP:0025630.

Submission:

Labcorp Genetics (formerly Invitae), Labcorp
Classification: Pathogenic for Argininosuccinate lyase deficiency. Last evaluated: 2025-06-22. Review status: criteria provided, single submitter. Criteria: Invitae Variant Classification Sherloc (09022015). Collection method: clinical testing. Allele origin: germline.
Comment: This sequence change creates a premature translational stop signal (p.Gln326Thrfs*9) in the ASL gene. It is expected to result in an absent or disrupted protein product. Loss-of-function variants in ASL are known to be pathogenic (PMID: 2263616, 24166829). This variant is not present in population databases (gnomAD no frequency). This variant has not been reported in the literature in individuals affected with ASL-related conditions. For these reasons, this variant has been classified as Pathogenic.

Literature cited by the submitters: PubMed 2263616; PubMed 24166829.

NM_000048.4(ASL):c.975dup (p.Gln326fs)

Gene: ASL (argininosuccinate lyase; plus strand). Cytogenetic location: 7q11.21.
Variant type: Duplication.
Coding change: c.975dup on transcript NM_000048.4 (MANE Select); coding-DNA position 975, one base duplicated (A; older notation c.975dupA).
Protein change: p.Gln326fs; shifts the reading frame from glutamine 326.
Molecular consequence: frameshift variant. On other transcripts: intron variant (1).
Genome position (GRCh38, 1-based): chr7:66,089,332, A duplicated. VCF-style (leftmost placement, unchanged base first): chr7-66089331-T-TA. GRCh37 (hg19) VCF-style: chr7-65554318-T-TA.
Other names: c.975dup, p.Gln326fs (NM_001024943.2); c.897dup, p.Gln300fs (NM_001024946.2); c.918+157dup (NM_001024944.2); short protein forms Q300fs, Q326fs.
Identifiers: ClinVar variation 4721898 (VCV004721898.1).